The following is an entry in ClinVar:

ClinVar aggregate classification (germline): Uncertain significance (1 of 4 stars; one submission).

Conditions:
Joubert syndrome. Also called: CEREBELLOPARENCHYMAL DISORDER IV; JOUBERT-BOLTSHAUSER SYNDROME; Familial aplasia of the vermis. Identifiers: Orphanet 475, MedGen C5979921, MONDO:0018772.
Meckel-Gruber syndrome. Also called: DYSENCEPHALIA SPLANCHNOCYSTICA; GRUBER SYNDROME; Dysencephalia splachnocystica. Identifiers: Orphanet 564, MedGen C0265215, MONDO:0018921.

Submission:

Labcorp Genetics (formerly Invitae), Labcorp
Classification: Uncertain significance for Joubert syndrome; Meckel-Gruber syndrome. Last evaluated: 2022-07-21. Review status: criteria provided, single submitter. Criteria: Invitae Variant Classification Sherloc (09022015). Collection method: clinical testing. Allele origin: germline.
Comment: Experimental studies and prediction algorithms are not available or were not evaluated, and the functional significance of this variant is currently unknown. This variant has not been reported in the literature in individuals affected with TCTN2-related conditions. This variant is not present in population databases (gnomAD no frequency). This variant, c.1294_1296del, results in the deletion of 1 amino acid(s) of the TCTN2 protein (p.Glu432del), but otherwise preserves the integrity of the reading frame. In summary, the available evidence is currently insufficient to determine the role of this variant in disease. Therefore, it has been classified as a Variant of Uncertain Significance.

NM_024809.5(TCTN2):c.1288GAA[2] (p.Glu432del)

Gene: TCTN2 (tectonic family member 2; plus strand). Cytogenetic location: 12q24.31.
Variant type: Microsatellite.
Coding change: c.1288GAA[2] on transcript NM_024809.5 (MANE Select); two copies in a row of the 3-base unit GAA starting at c.1288; the reference has three copies in a row; one copy, 3 bases deleted.
Protein change: p.Glu432del; deletes glutamic acid 432.
Molecular consequence: inframe deletion. On other transcripts: inframe indel (1).
Genome position (GRCh38, 1-based): chr12:123,695,279-123,695,281, GAA deleted; deleting any 3 consecutive bases within chr12:123,695,273-123,695,281 gives the same sequence; the position shown is the placement nearest the transcript's 3' end. VCF-style (leftmost placement, unchanged base first): chr12-123695272-TGAA-T. GRCh37 (hg19) VCF-style: chr12-124179819-TGAA-T.
Other names: c.1285GAA[2], p.Glu431del (NM_001143850.3); c.1153_1155GAA[2], p.Glu387del (NM_001410989.1); short protein forms E431del, E387del, E432del.
Identifiers: ClinVar variation 2147142 (VCV002147142.4), dbSNP rs1956094195, ClinGen allele CA2068975256.
Genomic context (GRCh38, chr12:123,695,272, plus strand): 5'-ATTTCTAGGGATAATGACACAGAGATTTGTAGTAAAATTTTTAAGCTATAATAGTGGTAA[TGAA>T]GAAGAATTATCTGGAAATCCAGGTAAGATGAGTATATGCCAGTCATTGATCTTACAAACA-3'